The following is an entry in ClinVar:

ClinVar aggregate classification (germline): Conflicting classifications of pathogenicity. Review status: criteria provided, conflicting classifications (1 of 4 stars). 2 submissions from 2 submitters: Uncertain significance (1); Likely benign (1). Last evaluated 2025-04-25.

Conditions:
Inborn genetic diseases. Identifiers: MedGen C0950123, MeSH D030342.
Neuropathy, hereditary sensory and autonomic, type 1C. Also called: HSAN IC; HSN IC. Identifiers: Orphanet 36386, MedGen C3150896, MONDO:0013337, OMIM 613640.

Allele frequency attached by ClinVar (database versions not stated): ExAC 0.00002; gnomAD exomes 0.00002 and 0.00004; gnomAD 0.00003 and 0.00004; TOPMed 0.00009.
gnomAD v4.1: 33 of 1,613,846 alleles (0.002%); highest among the groups gnomAD compares: Admixed American, 0.02%; no homozygotes.

Submissions (2):

Ambry Genetics
Classification: Likely benign for Inborn genetic diseases. Last evaluated: 2025-04-25. Review status: criteria provided, single submitter. Criteria: Ambry Variant Classification Scheme 2023. Collection method: clinical testing. Allele origin: germline.

Labcorp Genetics (formerly Invitae), Labcorp
Classification: Uncertain significance for Neuropathy, hereditary sensory and autonomic, type 1C. Last evaluated: 2024-05-08. Review status: criteria provided, single submitter. Criteria: Invitae Variant Classification Sherloc (09022015). Collection method: clinical testing. Allele origin: germline.
Comment: This sequence change replaces arginine, which is basic and polar, with cysteine, which is neutral and slightly polar, at codon 452 of the SPTLC2 protein (p.Arg452Cys). This variant is present in population databases (rs747168398, gnomAD 0.02%). This variant has not been reported in the literature in individuals affected with SPTLC2-related conditions. ClinVar contains an entry for this variant (Variation ID: 1349424). Advanced modeling of protein sequence and biophysical properties (such as structural, functional, and spatial information, amino acid conservation, physicochemical variation, residue mobility, and thermodynamic stability) performed at Invitae indicates that this missense variant is not expected to disrupt SPTLC2 protein function with a negative predictive value of 80%. In summary, the available evidence is currently insufficient to determine the role of this variant in disease. Therefore, it has been classified as a Variant of Uncertain Significance.

NM_004863.4(SPTLC2):c.1354C>T (p.Arg452Cys)

Gene: SPTLC2 (serine palmitoyltransferase long chain base subunit 2; minus strand). Cytogenetic location: 14q24.3.
Variant type: single nucleotide variant.
Coding change: c.1354C>T on transcript NM_004863.4 (MANE Select); coding-DNA position 1354, C replaced by T.
Protein change: p.Arg452Cys; replaces arginine 452 with cysteine.
Molecular consequence: missense variant.
Genome position (GRCh38, 1-based): chr14:77,521,531, G>A on the plus strand (C>T on the coding strand, the complement: SPTLC2 is on the minus strand). VCF-style: chr14-77521531-G-A. GRCh37 (hg19) VCF-style: chr14-77987874-G-A.
Other names: c.1354C>T (NM_004863.3); short protein forms R452C.
Identifiers: ClinVar variation 1349424 (VCV001349424.7), dbSNP rs747168398, ClinGen allele CA7289177.